The following is an entry in ClinVar:

ClinVar aggregate classification (germline): Uncertain significance (1 of 4 stars; one submission).

gnomAD v4.1: 5 of 1,519,452 alleles (0.00033%); highest among the groups gnomAD compares: Admixed American, 0.002%; no homozygotes.

Submission:

GeneDx
Classification: Uncertain significance. Last evaluated: 2026-01-29. Review status: criteria provided, single submitter. Criteria: GeneDx Variant Classification Process June 2021. Collection method: clinical testing. Allele origin: germline.
Comment: Not observed at significant frequency in large population cohorts (gnomAD); In silico analysis supports a deleterious effect on splicing; Has not been previously published as pathogenic or benign to our knowledge

NM_024740.2(ALG9):c.131+6T>G

Genes: ALG9 (ALG9 alpha-1,2-mannosyltransferase; minus strand), LOC130006752 (ATAC-STARR-seq lymphoblastoid silent region 3902; plus strand). Cytogenetic location: 11q23.1.
Variant type: single nucleotide variant.
Coding change: c.131+6T>G on transcript NM_024740.2 (MANE Select); 6 bases into the intron after coding-DNA position 131, T replaced by G.
Molecular consequence: intron variant.
Genome position (GRCh38, 1-based): chr11:111,871,346, A>C on the plus strand (T>G on the coding strand, the complement: ALG9 is on the minus strand). VCF-style: chr11-111871346-A-C. GRCh37 (hg19) VCF-style: chr11-111742069-A-C.
Other names: c.-244+6T>G (NM_001352409.1); c.131+6T>G (NM_001352418.1, NM_001352417.1, NM_001077690.1); c.-387+6T>G (NM_001352410.1, NM_001352413.1).
Identifiers: ClinVar variation 2444680 (VCV002444680.2), dbSNP rs1290705708, ClinGen allele CA942273985.